The following is an entry in ClinVar:

NM_024426.6(WT1):c.1063T>C (p.Cys355Arg)

Gene: WT1 (WT1 transcription factor; minus strand). Cytogenetic location: 11p13.
Variant type: single nucleotide variant.
Coding change: c.1063T>C on transcript NM_024426.6 (MANE Select); coding-DNA position 1063, T replaced by C.
Protein change: p.Cys355Arg; replaces cysteine 355 with arginine.
Molecular consequence: missense variant. On other transcripts: 5 prime UTR variant (1), non-coding transcript variant (1).
Genome position (GRCh38, 1-based): chr11:32,399,998, A>G on the plus strand (T>C on the coding strand, the complement: WT1 is on the minus strand). VCF-style: chr11-32399998-A-G. GRCh37 (hg19) VCF-style: chr11-32421544-A-G.
Other names: c.1012T>C, p.Cys338Arg (NM_000378.6, NM_001407045.1, NM_001407048.1 and 1 more transcripts); c.412T>C, p.Cys138Arg (NM_001198551.2); c.361T>C, p.Cys121Arg (NM_001198552.2); c.-126T>C (NM_001367854.1); c.1057T>C, p.Cys353Arg (NM_001407044.1); c.1063T>C, p.Cys355Arg (NM_001407046.1, NM_024424.5); c.940T>C, p.Cys314Arg (NM_001407047.1); c.889T>C, p.Cys297Arg (NM_001407050.1); and 2 more; short protein forms C138R, C355R, C338R, C121R, C101R, C297R, C314R, C353R.
Identifiers: ClinVar variation 41847 (VCV000041847.34), dbSNP rs142059681, ClinGen allele CA016364.

ClinVar aggregate classification (germline): Conflicting classifications of pathogenicity. Review status: criteria provided, conflicting classifications (1 of 4 stars). 12 submissions from 12 submitters: Uncertain significance (2); Benign (2); Likely benign (5). 3 of the submissions do not count toward it. Last evaluated 2026-10-23.

Conditions:
WT1-related disorder. Also called: WT1-related disorders. Identifiers: MedGen CN377814.
Frasier syndrome. Identifiers: Orphanet 347, MedGen C0950122, MeSH D052159, MONDO:0007635, OMIM 136680.
Drash syndrome (DDS). Also called: NEPHROPATHY, WILMS TUMOR, AND GENITAL ANOMALIES; WILMS TUMOR AND PSEUDO- OR TRUE HERMAPHRODITISM. Identifiers: Orphanet 220, MedGen C0950121, MONDO:0008682, OMIM 194080.
Wilms tumor 1 (WT1). Also called: Wilms tumor, somatic. Identifiers: Orphanet 654, MedGen CN033288, MONDO:0008679, OMIM 194070.
11p partial monosomy syndrome (WAGR). Also called: WAGR Complex; CHROMOSOME 11p13 DELETION SYNDROME; WAGR syndrome; WAGR Spectrum Disorder. Identifiers: Orphanet 893, MedGen C0206115, MONDO:0008681, OMIM 194072.
Hereditary cancer. Identifiers: MedGen C1333600.
Inborn genetic diseases. Identifiers: MedGen C0950123, MeSH D030342.
Hereditary cancer-predisposing syndrome. Also called: Tumor predisposition; Neoplastic Syndromes, Hereditary; Hereditary Cancer Syndrome; Hereditary neoplastic syndrome. Identifiers: Orphanet 140162, MedGen C0027672, MeSH D009386, MONDO:0015356.

Allele frequency attached by ClinVar (database versions not stated): ExAC 0.00046; gnomAD exomes 0.00053 and 0.00082; ESP Exome Variant Server 0.00062; gnomAD 0.00040 and 0.00044; TOPMed 0.00062.
gnomAD v4.1: 1,259 of 1,614,120 alleles (0.078%); highest among the groups gnomAD compares: Non-Finnish European, 0.097%; no homozygotes.

Submissions (12):

GeneDx
Classification: Uncertain significance. Last evaluated: 2026-10-23. Review status: criteria provided, single submitter. Criteria: GeneDx Variant Classification Process June 2021. Collection method: clinical testing. Allele origin: germline.
Comment: Observed in individuals with breast cancer, nonmedullary thyroid cancer, oligozoospermia, or hypospadias (PMID: 35264596, 30306255, 25451826); In silico analysis supports that this missense variant has a deleterious effect on protein structure/function; This variant is associated with the following publications: (PMID: 30219896, 24728327, 29399405, 25451826, 28780565, 30306255, 25645356, 22703879, 35264596, 38415346, 40393652, 34518484)

CeGaT Center for Human Genetics Tuebingen
Classification: Likely benign. Last evaluated: 2026-09-01. Review status: criteria provided, single submitter. Criteria: CeGaT Center For Human Genetics Tuebingen Variant Classification Criteria Version 2. Collection method: clinical testing. Allele origin: germline. Affected: yes. Observed: 6 variant alleles.
Comment: WT1: BS1

Labcorp Genetics (formerly Invitae), Labcorp
Classification: Likely benign for Wilms tumor 1; Drash syndrome; 11p partial monosomy syndrome; Frasier syndrome. Last evaluated: 2026-01-26. Review status: criteria provided, single submitter. Criteria: Invitae Variant Classification Sherloc (09022015). Collection method: clinical testing. Allele origin: germline.

Color Diagnostics, LLC DBA Color Health
Classification: Benign for Wilms tumor 1. Last evaluated: 2025-11-18. Review status: criteria provided, single submitter. Criteria: ACMG Guidelines, 2015. Collection method: clinical testing. Allele origin: germline.

ARUP Laboratories, Molecular Genetics and Genomics, ARUP Laboratories
Classification: Uncertain significance. Last evaluated: 2025-02-27. Review status: criteria provided, single submitter. Criteria: ARUP Molecular Germline Variant Investigation Process 2024. Collection method: clinical testing. Allele origin: germline.
Comment: The WT1 c.1063T>C; p.Cys355Arg variant (rs142059681, ClinVar Variation ID 41847) is reported in the literature in healthy controls (Seabra 2015) and in few individuals affected with breast cancer (Bonache 2018, Guindalini 2022), and steroid resistant nephrotic syndrome (Sen 2017). This variant is found in the Admixed American population with an allele frequency of 0.102% (36/35438 alleles) in the Genome Aggregation Database (v2.1.1). Computational analyses predict that this variant is deleterious (REVEL: 0.807). While the high population frequency suggests that this is likely a benign variant, given the lack of functional data, the significance of this variant is uncertain at this time. References: Bonache S et al. Multigene panel testing beyond BRCA1/2 in breast/ovarian cancer Spanish families and clinical actionability of findings. J Cancer Res Clin Oncol. 2018 Dec;144(12):2495-2513. PMID: 30306255. Guindalini RSC et al. Detection of germline variants in Brazilian breast cancer patients using multigene panel testing. Sci Rep. 2022 Mar 9;12(1):4190. PMID: 35264596. Seabra CM et al. The mutational spectrum of WT1 in male infertility. J Urol. 2015 May;193(5):1709-15. PMID: 25451826. Sen ES et al. Clinical genetic testing using a custom-designed steroid-resistant nephrotic syndrome gene panel: analysis and recommendations. J Med Genet. 2017 Dec;54(12):795-804. PMID: 28780565.

Blueprint Genetics
Classification: Likely benign. Last evaluated: 2024-10-29. Review status: criteria provided, single submitter. Criteria: ACMG Guidelines, 2015. Collection method: clinical testing. Allele origin: germline.

Mendelics
Classification: Likely benign for Hereditary cancer. Last evaluated: 2024-09-11. Review status: criteria provided, single submitter. Criteria: ACMG Guidelines, 2015. Collection method: clinical testing. Allele origin: unknown.
Comment: This variant is considered likely benign or benign based on one or more of the following: it is predicted to be benign by multiple in silico algorithms, and/or has population frequency not consistent with disease, and/or has normal protein function, and/or has lack of segregation with disease, and/or has been detected in co-occurrence with known pathogenic variant, and/or has lack of disease association in case-control studies, and/or is located in a region inconsistent with a known cause of pathogenicity.

Ambry Genetics
Classification: Benign for Inborn genetic diseases. Last evaluated: 2024-08-29. Review status: criteria provided, single submitter. Criteria: Ambry Variant Classification Scheme 2023. Collection method: clinical testing. Allele origin: germline.

Sema4
Classification: Likely benign for Hereditary cancer-predisposing syndrome. Last evaluated: 2020-10-25. Review status: criteria provided, single submitter. Criteria: Sema4 Curation Guidelines. Collection method: curation. Allele origin: germline.

PreventionGenetics, part of Exact Sciences
Classification: Likely benign for WT1-related condition. Last evaluated: 2020-11-02. Review status: no assertion criteria provided. Collection method: clinical testing. Allele origin: germline. Not counted in ClinVar's aggregate classification.
Comment: This variant is classified as likely benign based on ACMG/AMP sequence variant interpretation guidelines (Richards et al. 2015 PMID: 25741868, with internal and published modifications).

ITMI
No classification provided. Condition: AllHighlyPenetrant. Last evaluated: 2013-09-19. Review status: no classification provided. Collection method: reference population. Allele origin: germline. Not counted in ClinVar's aggregate classification.
Comment: Please see associated publication for description of ethnicities

Biesecker Lab/Clinical Genomics Section, National Institutes of Health
Classification: Uncertain significance. Last evaluated: 2012-07-13. Review status: no assertion criteria provided. Collection method: research. Allele origin: germline. Affected: no. Observed: 1 variant allele. Study: ClinSeq. Not counted in ClinVar's aggregate classification.
ClinVar note: Converted during submission from variant of unknown significance to Uncertain significance.

Literature cited by the submitters: PubMed 24728327 (cited by ITMI).